The following is an entry in ClinVar:

Conditions:
Long QT syndrome 5 (LQT5). Identifiers: Orphanet 101016, Orphanet 768, MedGen C1867904, MONDO:0013372, OMIM 613695.

Submission:

Roden Lab, Vanderbilt University Medical Center
No classification provided (evidence only). Condition: Long QT syndrome 5. Review status: no classification provided. Collection method: in vitro. Allele origin: not applicable. Functional consequence: Effect on ion channel function.
ClinVar note: "not provided" was previously submitted as the classification for the variant. However, the classification appeared to be based only on an observation of functional data so it was converted to no classification on 2025-07-30.

NM_000219.6(KCNE1):c.373A>G (p.Thr125Ala)

Gene: KCNE1 (potassium voltage-gated channel subfamily E regulatory subunit 1; minus strand). Cytogenetic location: 21q22.12.
Variant type: single nucleotide variant.
Coding change: c.373A>G on transcript NM_000219.6 (MANE Select); coding-DNA position 373, A replaced by G.
Protein change: p.Thr125Ala; replaces threonine 125 with alanine.
Molecular consequence: missense variant.
Genome position (GRCh38, 1-based): chr21:34,449,262, T>C on the plus strand (A>G on the coding strand, the complement: KCNE1 is on the minus strand). VCF-style: chr21-34449262-T-C. GRCh37 (hg19) VCF-style: chr21-35821560-T-C.
Other names: c.373A>G, p.Thr125Ala (NM_001127668.4, NM_001127669.4, NM_001127670.4 and 4 more transcripts); short protein forms T125A.
Identifiers: ClinVar variation 3373850 (VCV003373850.2).
Genomic context (GRCh38, chr21:34,449,262, plus strand): 5'-GGTTGCCAGGCAGGATGTGTCCAGTTTTAGCCAGTGGTGGGGTTCATGGGGAAGGCTTCG[T>C]CTCAGGAAGGTGTGTGTTGGGTTGTTCTATGGCCAGATGGTTTTCAACGACATAGCACGA-3'
Protein context (NP_000210.2, residues 115-129): IEQPNTHLPE[Thr125Ala]KPSP